The following is an entry in ClinVar:

ClinVar aggregate classification (germline): Uncertain significance. Review status: criteria provided, multiple submitters, no conflicts (2 of 4 stars). 2 submissions from 2 submitters: Uncertain significance (2). Last evaluated 2024-04-16.

Conditions:
Intellectual disability-facial dysmorphism syndrome due to SETD5 haploinsufficiency (MRD23). Also called: Intellectual developmental disorder, autosomal dominant 23. Identifiers: Orphanet 404440, MedGen C3810406, MONDO:0014336, OMIM 615761.

Allele frequency attached by ClinVar (database versions not stated): gnomAD exomes below 0.00001; TOPMed below 0.00001.
gnomAD v4.1: 1 of 1,613,950 alleles (0.000062%); highest among the groups gnomAD compares: Non-Finnish European, 0.000085%; no homozygotes.

Submissions (2):

Labcorp Genetics (formerly Invitae), Labcorp
Classification: Uncertain significance. Last evaluated: 2024-04-16. Review status: criteria provided, single submitter. Criteria: Invitae Variant Classification Sherloc (09022015). Collection method: clinical testing. Allele origin: germline.
Comment: This sequence change replaces proline, which is neutral and non-polar, with arginine, which is basic and polar, at codon 1318 of the SETD5 protein (p.Pro1318Arg). This variant is not present in population databases (gnomAD no frequency). This variant has not been reported in the literature in individuals affected with SETD5-related conditions. ClinVar contains an entry for this variant (Variation ID: 1513005). Advanced modeling of protein sequence and biophysical properties (such as structural, functional, and spatial information, amino acid conservation, physicochemical variation, residue mobility, and thermodynamic stability) performed at Invitae indicates that this missense variant is not expected to disrupt SETD5 protein function with a negative predictive value of 80%. In summary, the available evidence is currently insufficient to determine the role of this variant in disease. Therefore, it has been classified as a Variant of Uncertain Significance.

ARUP Laboratories, Molecular Genetics and Genomics, ARUP Laboratories
Classification: Uncertain significance for Intellectual disability-facial dysmorphism syndrome due to SETD5 haploinsufficiency. Last evaluated: 2023-11-22. Review status: criteria provided, single submitter. Criteria: ARUP Molecular Germline Variant Investigation Process 2024. Collection method: clinical testing. Allele origin: germline.

NM_001080517.3(SETD5):c.3953C>G (p.Pro1318Arg)

Gene: SETD5 (SET domain containing 5; plus strand). Cytogenetic location: 3p25.3.
Variant type: single nucleotide variant.
Coding change: c.3953C>G on transcript NM_001080517.3 (MANE Select); coding-DNA position 3953, C replaced by G.
Protein change: p.Pro1318Arg; replaces proline 1318 with arginine.
Molecular consequence: missense variant.
Genome position (GRCh38, 1-based): chr3:9,475,715, C>G. VCF-style: chr3-9475715-C-G. GRCh37 (hg19) VCF-style: chr3-9517399-C-G.
Other names: c.3659C>G, p.Pro1220Arg (NM_001292043.2, NM_001349451.2); short protein forms P1318R, P1220R.
Identifiers: ClinVar variation 1513005 (VCV001513005.7), dbSNP rs2045789807, ClinGen allele CA351693002.